The following is an entry in ClinVar:

ClinVar aggregate classification (germline): Uncertain significance (1 of 4 stars; one submission).

Conditions:
Peutz-Jeghers syndrome (PJS). Also called: Peutz-Jeghers polyposis; Periorificial lentiginosis syndrome; POLYPOSIS, HAMARTOMATOUS INTESTINAL; POLYPS-AND-SPOTS SYNDROME. Identifiers: Orphanet 2869, MedGen C0031269, MeSH D010580, MONDO:0008280, OMIM 175200.

Submission:

Labcorp Genetics (formerly Invitae), Labcorp
Classification: Uncertain significance for Peutz-Jeghers syndrome. Last evaluated: 2019-02-17. Review status: criteria provided, single submitter. Criteria: Invitae Variant Classification Sherloc (09022015). Collection method: clinical testing. Allele origin: germline.
Comment: This variant is not present in population databases (ExAC no frequency). In summary, the available evidence is currently insufficient to determine the role of this variant in disease. Therefore, it has been classified as a Variant of Uncertain Significance. Algorithms developed to predict the effect of missense changes on protein structure and function (SIFT, PolyPhen-2, Align-GVGD) all suggest that this variant is likely to be tolerated, but these predictions have not been confirmed by published functional studies and their clinical significance is uncertain. This variant has not been reported in the literature in individuals with STK11-related conditions. This sequence change replaces aspartic acid with glutamic acid at codon 258 of the STK11 protein (p.Asp258Glu). The aspartic acid residue is highly conserved and there is a small physicochemical difference between aspartic acid and glutamic acid.

NM_000455.5(STK11):c.774C>A (p.Asp258Glu)

Gene: STK11 (serine/threonine kinase 11; plus strand). Cytogenetic location: 19p13.3.
Variant type: single nucleotide variant.
Coding change: c.774C>A on transcript NM_000455.5 (MANE Select); coding-DNA position 774, C replaced by A.
Protein change: p.Asp258Glu; replaces aspartic acid 258 with glutamic acid.
Molecular consequence: missense variant.
Genome position (GRCh38, 1-based): chr19:1,221,252, C>A. VCF-style: chr19-1221252-C-A. GRCh37 (hg19) VCF-style: chr19-1221251-C-A.
Other names: short protein forms D258E.
Identifiers: ClinVar variation 860411 (VCV000860411.9), dbSNP rs2080781876, ClinGen allele CA402950446.